The following is an entry in ClinVar:

ClinVar aggregate classification (germline): Benign/Likely benign. Review status: criteria provided, multiple submitters, no conflicts (2 of 4 stars). 5 submissions from 5 submitters: Benign (3); Likely benign (2). Last evaluated 2023-04-11.

Conditions:
Microcephaly 5, primary, autosomal recessive (MCPH5). Also called: ASPM Primary Microcephaly. Identifiers: Orphanet 2512, MedGen C1837501, MONDO:0012106, OMIM 608716.

Allele frequency attached by ClinVar (database versions not stated): gnomAD 0.02044; 1000 Genomes Project 0.02316; TOPMed 0.02321; 1000 Genomes Project 30x 0.02561.
gnomAD v4.1: 5,933 of 1,258,850 alleles (0.47%); highest among the groups gnomAD compares: African/African-American, 7.3%; 165 homozygotes.

Submissions (5):

Genome-Nilou Lab
Classification: Benign for Microcephaly 5, primary, autosomal recessive. Last evaluated: 2023-04-11. Review status: criteria provided, single submitter. Criteria: ACMG Guidelines, 2015. Collection method: clinical testing. Allele origin: germline. Affected: no.

GeneDx
Classification: Benign. Last evaluated: 2018-06-26. Review status: criteria provided, single submitter. Criteria: GeneDx Variant Classification Process June 2021. Collection method: clinical testing. Allele origin: germline. Affected: yes.

Illumina Laboratory Services, Illumina
Classification: Likely benign for Microcephaly 5, primary, autosomal recessive. Last evaluated: 2017-04-27. Review status: criteria provided, single submitter. Criteria: ICSL Variant Classification Criteria 13 December 2019. Collection method: clinical testing. Allele origin: germline.
Comment: This variant was observed as part of a predisposition screen in an ostensibly healthy population. A literature search was performed for the gene, cDNA change, and amino acid change (where applicable). No publications were found based on this search. Allele frequency data from public databases allowed determination this variant is unlikely to cause disease. Therefore, this variant is classified as likely benign.

Genetic Services Laboratory, University of Chicago
Classification: Benign. Last evaluated: 2013-02-08. Review status: criteria provided, single submitter. Criteria: ACMG Guidelines, 2007. Collection method: clinical testing. Allele origin: germline.

Breakthrough Genomics
Classification: Likely benign. Review status: criteria provided, single submitter. Criteria: ACMG Guidelines, 2015. Collection method: not provided. Allele origin: germline. Inheritance: Autosomal recessive inheritance. Affected: yes.

NM_018136.5(ASPM):c.*60C>T

Gene: ASPM (assembly factor for spindle microtubules; minus strand). Cytogenetic location: 1q31.3.
Variant type: single nucleotide variant.
Coding change: c.*60C>T on transcript NM_018136.5 (MANE Select); 60 bases downstream of the stop codon, C replaced by T.
Molecular consequence: 3 prime UTR variant.
Genome position (GRCh38, 1-based): chr1:197,084,264, G>A on the plus strand (C>T on the coding strand, the complement: ASPM is on the minus strand). VCF-style: chr1-197084264-G-A. GRCh37 (hg19) VCF-style: chr1-197053394-G-A.
Other names: c.*60C>T (NM_001206846.2).
Identifiers: ClinVar variation 210341 (VCV000210341.12), dbSNP rs1537318, ClinGen allele CA205077.